The following is an entry in ClinVar:

ClinVar aggregate classification (germline): Likely pathogenic. Review status: criteria provided, multiple submitters, no conflicts (2 of 4 stars). 2 submissions from 2 submitters: Likely pathogenic (2). Last evaluated 2025-12-31.

Conditions:
Hypogonadotropic hypogonadism. Also called: Hypogonadotrophic hypogonadism; Isolated hypogonadotropic hypogonadism; Low gonadotropins (secondary hypogonadism); Hypogonadotropic hypogonadism with or without anosmia. Identifiers: Orphanet 432, MedGen C0271623, MONDO:0018555, HP:0000044.
Intellectual developmental disorder with microcephaly and with or without ocular malformations or hypogonadotropic hypogonadism. Also called: Intellectual disability, autosomal dominant 27; Coffin-Siris Syndrome 9. Identifiers: Orphanet 1465, MedGen C4014528, MONDO:0014376, OMIM 615866.

Submissions (2):

3billion
Classification: Likely pathogenic for Intellectual developmental disorder with microcephaly and with or without ocular malformations or hypogonadotropic hypogonadism. Last evaluated: 2025-12-31. Review status: criteria provided, single submitter. Criteria: ACMG Guidelines, 2015. Collection method: clinical testing. Allele origin: germline. Affected: yes.
Comment: The variant is not observed in the gnomAD v4.1.0 dataset. Predicted Consequence/Location: The variant is located in a mutational hot spot and/or well-established functional domain in which established pathogenic variants have been reported. Missense variant. Missense changes are a common disease-causing mechanism. In silico tool predictions suggest damaging effect of the variant on gene or gene product [REVEL: 0.92 (>=0.6, sensitivity 0.68 and specificity 0.92); 3Cnet: 0.52 (> 0.75, sensitivity 0.96 and precision 0.92)]. The same nucleotide change resulting in the same amino acid change has been previously reported to be associated with SOX11-related disorder (ClinVar ID: VCV003251956).A different missense change at the same codon (p.Pro114His) has been reported to be associated with SOX11-related disorder (ClinVar ID: VCV004293973 /3billion dataset). However the evidence of pathogenicity is insufficient at this time. Therefore, this variant is classified as Likely pathogenic according to the recommendation of ACMG/AMP guideline.

Reproductive Endocrine Unit, Massachusetts General Hospital
Classification: Likely pathogenic for HYPOGONADOTROPIC HYPOGONADISM. Last evaluated: 2024-06-25. Review status: criteria provided, single submitter. Criteria: ACMG Guidelines, 2015. Collection method: research. Allele origin: unknown. Affected: yes.
Comment: PM1,PM2,PP2,PP3

NM_003108.4(SOX11):c.340C>T (p.Pro114Ser)

Gene: SOX11 (SRY-box transcription factor 11; plus strand). Cytogenetic location: 2p25.2.
Variant type: single nucleotide variant.
Coding change: c.340C>T on transcript NM_003108.4 (MANE Select); coding-DNA position 340, C replaced by T.
Protein change: p.Pro114Ser; replaces proline 114 with serine.
Molecular consequence: missense variant.
Genome position (GRCh38, 1-based): chr2:5,693,061, C>T. VCF-style: chr2-5693061-C-T. GRCh37 (hg19) VCF-style: chr2-5833193-C-T.
Other names: short protein forms P114S.
Identifiers: ClinVar variation 3251956 (VCV003251956.2), dbSNP rs2465087534.